The following is an entry in ClinVar:

ClinVar aggregate classification (germline): Conflicting classifications of pathogenicity. Review status: criteria provided, conflicting classifications (1 of 4 stars). 4 submissions from 4 submitters: Uncertain significance (1); Benign (1); Likely benign (1). 1 of the submissions does not count toward it. Last evaluated 2018-04-07.

Conditions:
NLGN3-related disorder. Also called: NLGN3-related condition.
Inborn genetic diseases. Identifiers: MedGen C0950123, MeSH D030342.

Allele frequency attached by ClinVar (database versions not stated): gnomAD 0.00007 and 0.00013; TOPMed 0.00007; gnomAD exomes 0.00022 and 0.00034; ESP Exome Variant Server 0.00028; ExAC 0.00037; 1000 Genomes Project 0.00079; 1000 Genomes Project 30x 0.00083.
gnomAD v4.1: 253 of 1,206,604 alleles (0.021%); highest among the groups gnomAD compares: South Asian, 0.31%; 2 homozygotes.

Submissions (5):

Labcorp Genetics (formerly Invitae), Labcorp
Classification: Benign. Last evaluated: 2018-04-07. Review status: criteria provided, single submitter. Criteria: Invitae Variant Classification Sherloc (09022015). Collection method: clinical testing. Allele origin: germline.

Ambry Genetics
Classification: Likely benign for Inborn genetic diseases. Last evaluated: 2017-08-11. Review status: criteria provided, single submitter. Criteria: Ambry Variant Classification Scheme 2023. Collection method: clinical testing. Allele origin: germline.

Eurofins Ntd Llc (ga)
Classification: Uncertain significance. Last evaluated: 2013-07-30. Review status: criteria provided, single submitter. Criteria: EGL Classification Definitions 2015. Collection method: clinical testing. Allele origin: germline. Observed: 1 variant allele, 1 hemizygote.

PreventionGenetics, part of Exact Sciences
Classification: Likely benign for NLGN3-related condition. Last evaluated: 2023-01-12. Review status: no assertion criteria provided. Collection method: clinical testing. Allele origin: germline. Not counted in ClinVar's aggregate classification.
Comment: This variant is classified as likely benign based on ACMG/AMP sequence variant interpretation guidelines (Richards et al. 2015 PMID: 25741868, with internal and published modifications).

Dr. Peter K. Rogan Lab, Western University
No classification provided (evidence only). Condition: Thyroid cancer, nonmedullary, 1. Review status: no classification provided. Collection method: in vitro. Allele origin: not applicable. Functional consequence: retained intron. Not counted in ClinVar's aggregate classification.

NM_181303.2(NLGN3):c.282G>A (p.Ser94=)

Gene: NLGN3 (neuroligin 3; plus strand). Cytogenetic location: Xq13.1.
Variant type: single nucleotide variant.
Coding change: c.282G>A on transcript NM_181303.2 (MANE Select); coding-DNA position 282, G replaced by A.
Protein change: p.Ser94=; no amino-acid change (serine 94 retained).
Molecular consequence: synonymous variant. On other transcripts: intron variant (1).
Genome position (GRCh38, 1-based): chrX:71,148,031, G>A. VCF-style: chrX-71148031-G-A. GRCh37 (hg19) VCF-style: chrX-70367881-G-A.
Other names: NC_000023.10:g.70367881G>A; c.282G>A, p.Ser94= (NM_001166660.2, NM_018977.4); c.-38-32G>A (NM_001321276.2).
Identifiers: ClinVar variation 95926 (VCV000095926.16), dbSNP rs143817848, ClinGen allele CA223544.